The following is an entry in ClinVar:

ClinVar aggregate classification (germline): Uncertain significance (1 of 4 stars; one submission).

gnomAD v4.1: 1 of 1,608,686 alleles (0.000062%); highest among the groups gnomAD compares: Non-Finnish European, 0.000085%; no homozygotes.

Submission:

GeneDx
Classification: Uncertain significance. Last evaluated: 2025-01-21. Review status: criteria provided, single submitter. Criteria: GeneDx Variant Classification Process June 2021. Collection method: clinical testing. Allele origin: germline. Affected: yes.
Comment: Not observed at significant frequency in large population cohorts (gnomAD); In silico analysis indicates that this variant does not alter splicing; Has not been previously published as pathogenic or benign to our knowledge

NM_015100.4(POGZ):c.384T>C (p.Pro128=)

Gene: POGZ (pogo transposable element derived with ZNF domain; minus strand). Cytogenetic location: 1q21.3.
Variant type: single nucleotide variant.
Coding change: c.384T>C on transcript NM_015100.4 (MANE Select); coding-DNA position 384, T replaced by C.
Protein change: p.Pro128=; no amino-acid change (proline 128 retained).
Molecular consequence: synonymous variant. On other transcripts: intron variant (1).
Genome position (GRCh38, 1-based): chr1:151,430,741, A>G on the plus strand (T>C on the coding strand, the complement: POGZ is on the minus strand). VCF-style: chr1-151430741-A-G. GRCh37 (hg19) VCF-style: chr1-151403217-A-G.
Other names: c.384T>C, p.Pro128= (NM_001194937.2); c.225T>C, p.Pro75= (NM_001194938.2, NM_207171.2); c.405T>C, p.Pro135= (NM_001410860.1); c.284-2328T>C (NM_145796.4).
Identifiers: ClinVar variation 4070753 (VCV004070753.1).